The following is an entry in ClinVar:

NM_001267550.2(TTN):c.54178G>A (p.Val18060Ile)

Genes: TTN (titin; minus strand), TTN-AS1 (TTN antisense RNA 1; plus strand). Cytogenetic location: 2q31.2.
Variant type: single nucleotide variant.
Coding change: c.54178G>A on transcript NM_001267550.2 (MANE Select); coding-DNA position 54178, G replaced by A.
Protein change: p.Val18060Ile; replaces valine 18060 with isoleucine.
Molecular consequence: missense variant. On other transcripts: non-coding transcript variant (1).
Genome position (GRCh38, 1-based): chr2:178,604,999, C>T on the plus strand (G>A on the coding strand, the complement: TTN is on the minus strand). VCF-style: chr2-178604999-C-T. GRCh37 (hg19) VCF-style: chr2-179469726-C-T.
Other names: c.49255G>A, p.Val16419Ile (NM_001256850.1); c.26983G>A, p.Val8995Ile (NM_003319.4); c.27358G>A, p.Val9120Ile (NM_133432.3); c.27559G>A, p.Val9187Ile (NM_133437.4); c.46474G>A, p.Val15492Ile (NM_133378.4); short protein forms V15492I, V18060I, V8995I, V9120I, V16419I, V9187I.
Identifiers: ClinVar variation 165977 (VCV000165977.50), dbSNP rs190574498, ClinGen allele CA178733.
Genomic context (GRCh38, chr2:178,604,999, plus strand): 5'-TAAACAGACACTGGATGCCTTTTTGATGTAAGAAAGCAAGTCACTTACCATATACTTCAA[C>T]GTGAACATTTCGGAACACTGAGCCAAGGCGATTGGAAGCAGTAACTGTGTAAGTGCCTTT-3'
Protein context (NP_001254479.2, residues 18050-18070): RLGSVFRNVH[Val18060Ile]EVYDRPSPPR

ClinVar aggregate classification (germline): Conflicting classifications of pathogenicity. Review status: criteria provided, conflicting classifications (1 of 4 stars). 18 submissions from 14 submitters: Uncertain significance (10); Benign (2); Likely benign (4). 2 of the submissions do not count toward it. Last evaluated 2023-10-25.

Conditions:
TTN-related disorder. Also called: TTN-related disorders; TTN-related condition; TTN-related disease.
Cardiovascular phenotype. Identifiers: MedGen CN230736.
Ventricular tachycardia. Identifiers: MedGen C0042514, MONDO:0005477, HP:0004756.
Dilated cardiomyopathy 1G (CMD1G). Identifiers: Orphanet 154, MedGen C1858763, MONDO:0011400, OMIM 604145.
Autosomal recessive limb-girdle muscular dystrophy type 2J (LGMDR10). Also called: Limb-girdle muscular dystrophy, type 2J; MUSCULAR DYSTROPHY, LIMB-GIRDLE, AUTOSOMAL RECESSIVE 10. Identifiers: Orphanet 140922, MedGen C1837342, MONDO:0012127, OMIM 608807.
Cardiomyopathy (CMYO). Also called: Cardiomyopathies. Identifiers: Orphanet 167848, MedGen C0878544, MONDO:0004994, HP:0001638. Inheritance: Various modes of inheritance.
Myopathy, myofibrillar, 9, with early respiratory failure (MFM9). Also called: Hereditary myopathy with early respiratory failure; MYOPATHY, PROXIMAL, WITH EARLY RESPIRATORY MUSCLE INVOLVEMENT; EDSTROM MYOPATHY; Myopathy, distal, with early respiratory failure, autosomal dominant. Identifiers: Orphanet 178464, Orphanet 34521, MedGen C1863599, MONDO:0011362, OMIM 603689.
Tibial muscular dystrophy (TMD). Also called: UDD MYOPATHY; Tibial muscular dystrophy, tardive; Udd Distal Myopathy – Tibial Muscular Dystrophy. Identifiers: Orphanet 609, MedGen C1838244, MONDO:0010870, OMIM 600334.
Early-onset myopathy with fatal cardiomyopathy (CMYO5). Also called: CONGENITAL MYOPATHY 5 WITH CARDIOMYOPATHY; Salih Myopathy. Identifiers: Orphanet 289377, MedGen C2673677, MONDO:0012714, OMIM 611705. Disease mechanism: loss of function.

Allele frequency attached by ClinVar (database versions not stated): TOPMed 0.00003; gnomAD 0.00005; gnomAD exomes 0.00005 and 0.00007; ESP Exome Variant Server 0.00008; ExAC 0.00010; 1000 Genomes Project 0.00020; 1000 Genomes Project 30x 0.00031.
gnomAD v4.1: 72 of 1,596,514 alleles (0.0045%); highest among the groups gnomAD compares: Non-Finnish European, 0.0043%; no homozygotes.

Submissions (18):

Blueprint Genetics
Classification: Likely benign. Last evaluated: 2023-10-25. Review status: criteria provided, single submitter. Criteria: ACMG Guidelines, 2015. Collection method: clinical testing. Allele origin: germline.

CeGaT Center for Human Genetics Tuebingen
Classification: Likely benign. Last evaluated: 2023-08-01. Review status: criteria provided, single submitter. Criteria: CeGaT Center For Human Genetics Tuebingen Variant Classification Criteria Version 2. Collection method: clinical testing. Allele origin: germline. Affected: yes. Observed: 1 variant allele.
Comment: TTN: BP4

PreventionGenetics, part of Exact Sciences
Classification: Uncertain significance for TTN-related condition. Last evaluated: 2022-12-27. Review status: criteria provided, single submitter. Criteria: ACMG Guidelines, 2015. Collection method: clinical testing. Allele origin: germline.
Comment: The TTN c.54178G>A variant is predicted to result in the amino acid substitution p.Val18060Ile. This variant was reported in an individual from a large cohort of patients with dilated cardiomyopathy; however no additional evidence was provided to indicate causation (Burstein et al. 2021. PubMed ID: 32746448, Supplemental Table 2). This variant is reported in 0.017% of alleles in individuals of African descent in gnomAD. In ClinVar, it has been classified as uncertain, likely benign, and benign. At this time, the clinical significance of this variant is uncertain due to the absence of conclusive functional and genetic evidence.

CHEO Genetics Diagnostic Laboratory, Children's Hospital of Eastern Ontario
Classification: Likely benign for Cardiomyopathy. Last evaluated: 2022-08-02. Review status: criteria provided, single submitter. Criteria: ACMG Guidelines, 2015. Collection method: clinical testing. Allele origin: germline.

GeneDx
Classification: Likely benign. Last evaluated: 2020-10-12. Review status: criteria provided, single submitter. Criteria: GeneDx Variant Classification Process June 2021. Collection method: clinical testing. Allele origin: germline. Affected: yes.

Revvity Omics, Revvity
Classification: Uncertain significance. Last evaluated: 2019-09-06. Review status: criteria provided, single submitter. Criteria: ACMG Guidelines, 2015. Collection method: clinical testing. Allele origin: germline.

Ambry Genetics
Classification: Uncertain significance for Cardiovascular phenotype. Last evaluated: 2018-11-15. Review status: criteria provided, single submitter. Criteria: Ambry Variant Classification Scheme 2023. Collection method: clinical testing. Allele origin: germline.
Comment: The p.V8995I variant (also known as c.26983G>A), located in coding exon 107 of the TTN gene, results from a G to A substitution at nucleotide position 26983. The valine at codon 8995 is replaced by isoleucine, an amino acid with highly similar properties. This amino acid position is well conserved in available vertebrate species. In addition, this alteration is predicted to be benign by PolyPhen in silico analysis. Since supporting evidence is limited at this time, the clinical significance of this alteration remains unclear.

Center for Advanced Laboratory Medicine, UC San Diego Health, University of California San Diego
Classification: Uncertain significance for Ventricular tachycardia. Last evaluated: 2018-04-05. Review status: criteria provided, single submitter. Criteria: ACMG Guidelines, 2015. Collection method: clinical testing. Allele origin: germline. Affected: yes. Observed: 1 variant allele.

Illumina Laboratory Services, Illumina
Classification: Benign for Myopathy, myofibrillar, 9, with early respiratory failure. Last evaluated: 2018-01-13. Review status: criteria provided, single submitter. Criteria: ICSL Variant Classification Criteria 13 December 2019. Collection method: clinical testing. Allele origin: germline.
Comment: This variant was observed in the ICSL laboratory as part of a predisposition screen in an ostensibly healthy population. It had not been previously curated by ICSL or reported in the Human Gene Mutation Database (HGMD: prior to June 1st, 2018), and was therefore a candidate for classification through an automated scoring system. Utilizing variant allele frequency, disease prevalence and penetrance estimates, and inheritance mode, an automated score was calculated to assess if this variant is too frequent to cause the disease. Based on the score and internal cut-off values, a variant classified as benign is not then subjected to further curation. The score for this variant resulted in a classification of benign for this disease.

Illumina Laboratory Services, Illumina
Classification: Benign for Tibial muscular dystrophy. Last evaluated: 2018-01-13. Review status: criteria provided, single submitter. Criteria: ICSL Variant Classification Criteria 13 December 2019. Collection method: clinical testing. Allele origin: germline.
Comment: the same text as in the submission from Illumina Laboratory Services, Illumina above.

Illumina Laboratory Services, Illumina
Classification: Uncertain significance for Autosomal recessive limb-girdle muscular dystrophy type 2J. Last evaluated: 2018-01-13. Review status: criteria provided, single submitter. Criteria: ICSL Variant Classification Criteria 13 December 2019. Collection method: clinical testing. Allele origin: germline.

Illumina Laboratory Services, Illumina
Classification: Uncertain significance for Dilated cardiomyopathy 1G. Last evaluated: 2018-01-13. Review status: criteria provided, single submitter. Criteria: ICSL Variant Classification Criteria 13 December 2019. Collection method: clinical testing. Allele origin: germline.

Illumina Laboratory Services, Illumina
Classification: Uncertain significance for Early-onset myopathy with fatal cardiomyopathy. Last evaluated: 2018-01-13. Review status: criteria provided, single submitter. Criteria: ICSL Variant Classification Criteria 13 December 2019. Collection method: clinical testing. Allele origin: germline.

Eurofins Ntd Llc (ga)
Classification: Uncertain significance. Last evaluated: 2017-11-07. Review status: criteria provided, single submitter. Criteria: EGL Classification Definitions 2015. Collection method: clinical testing. Allele origin: germline. Observed: 1 variant allele, 1 heterozygote.

Labcorp Genetics (formerly Invitae), Labcorp
Classification: Uncertain significance for Dilated cardiomyopathy 1G; Autosomal recessive limb-girdle muscular dystrophy type 2J. Last evaluated: 2017-02-03. Review status: criteria provided, single submitter. Criteria: Invitae Variant Classification Sherloc (09022015). Collection method: clinical testing. Allele origin: germline.

Laboratory for Molecular Medicine, Mass General Brigham Personalized Medicine
Classification: Uncertain significance. Last evaluated: 2013-12-11. Review status: criteria provided, single submitter. Criteria: LMM Criteria. Collection method: clinical testing. Allele origin: germline. Observed: 1 variant allele.
Comment: The Val15492Ile variant in TTN has not been reported in individuals with cardiom yopathy, but has been identified in 1/8270 European American chromosomes by the NHLBI Exome Sequencing Project and in 1/192 Kenyan chromosomes by the 1000 genom es project (dbSNP rs190574498). Valine (Val) at position 15492 is generally conserved in evolution; however, the change to is oleucine (Ile) is present in one mammalian species (naked mole rat). Additional computational analyses (biochemical amino acid properties, AlignGVGD, PolyPhen2, and SIFT) do not provide strong support for or against an impact to the protein . Additional information is needed to fully assess the clinical significance of the Val15492Ile variant.

Clinical Genetics DNA and cytogenetics Diagnostics Lab, Erasmus MC, Erasmus Medical Center
Classification: Likely benign. Review status: no assertion criteria provided. Collection method: clinical testing. Allele origin: germline. Affected: yes. Study: VKGL Data-share Consensus. Not counted in ClinVar's aggregate classification.

Genome Diagnostics Laboratory, University Medical Center Utrecht
Classification: Likely benign. Review status: no assertion criteria provided. Collection method: clinical testing. Allele origin: germline. Affected: yes. Study: VKGL Data-share Consensus. Not counted in ClinVar's aggregate classification.